The following is an entry in ClinVar:

NM_001130987.2(DYSF):c.2938G>A (p.Gly980Arg)

Gene: DYSF (dysferlin; plus strand). Cytogenetic location: 2p13.2.
Variant type: single nucleotide variant.
Coding change: c.2938G>A on transcript NM_001130987.2 (MANE Select); coding-DNA position 2938, G replaced by A.
Protein change: p.Gly980Arg; replaces glycine 980 with arginine.
Molecular consequence: missense variant.
Genome position (GRCh38, 1-based): chr2:71,569,893, G>A. VCF-style: chr2-71569893-G-A. GRCh37 (hg19) VCF-style: chr2-71797023-G-A.
Other names: c.2887G>A, p.Gly963Arg (NM_001130455.2, NM_001130983.2); c.2842G>A, p.Gly948Arg (NM_001130976.2, NM_001130977.2); c.2884G>A, p.Gly962Arg (NM_001130978.2, NM_003494.4); c.2977G>A, p.Gly993Arg (NM_001130979.2); c.2935G>A, p.Gly979Arg (NM_001130980.2, NM_001130981.2); c.2980G>A, p.Gly994Arg (NM_001130982.2); c.2845G>A, p.Gly949Arg (NM_001130984.2, NM_001130986.2); c.2938G>A, p.Gly980Arg (NM_001130985.2); short protein forms G962R, G980R, G949R, G963R, G993R, G948R, G979R, G994R.
Identifiers: ClinVar variation 471291 (VCV000471291.25), dbSNP rs151064013, ClinGen allele CA49745900.
Genomic context (GRCh38, chr2:71,569,893, plus strand): 5'-ATGGACGCCGGTCACCTGAGCTTCGTGGAAGAGGTGTTTGAGAACCAGACCCGGCTTCCC[G>A]GAGGCCAGTGGATCTACATGAGTGACAACTACACCGATGTGGTAAAGCAGGCACTCAGGG-3'
Protein context (NP_001124459.1, residues 970-990): EVFENQTRLP[Gly980Arg]GQWIYMSDNY

ClinVar aggregate classification (germline): Uncertain significance. Review status: criteria provided, multiple submitters, no conflicts (2 of 4 stars). 4 submissions from 4 submitters: Uncertain significance (3). 1 of the submissions does not count toward it. Last evaluated 2025-10-02.

Conditions:
Neuromuscular disease caused by qualitative or quantitative defects of dysferlin. Also called: Qualitative or quantitative defects of dysferlin; Dysferlinopathy. Identifiers: Orphanet 207073, MedGen C2931687, MONDO:0016145.
Autosomal recessive limb-girdle muscular dystrophy type 2B (LGMDR2). Also called: Limb-Girdle Muscular Dystrophy Type 2B (LGMD2B); Limb-girdle muscular dystrophy, type 2B; MUSCULAR DYSTROPHY, LIMB-GIRDLE, TYPE 3; MUSCULAR DYSTROPHY, LIMB-GIRDLE, AUTOSOMAL RECESSIVE 2. Identifiers: Orphanet 268, MedGen C1850889, MONDO:0009676, OMIM 253601.

Allele frequency attached by ClinVar (database versions not stated): TOPMed 0.00001; gnomAD 0.00002; gnomAD exomes 0.00003 and 0.00005; ESP Exome Variant Server 0.00008.
gnomAD v4.1: 71 of 1,613,988 alleles (0.0044%); highest among the groups gnomAD compares: Non-Finnish European, 0.0054%; no homozygotes.

Submissions (4):

Labcorp Genetics (formerly Invitae), Labcorp
Classification: Uncertain significance for Neuromuscular disease caused by qualitative or quantitative defects of dysferlin. Last evaluated: 2025-10-02. Review status: criteria provided, single submitter. Criteria: Invitae Variant Classification Sherloc (09022015). Collection method: clinical testing. Allele origin: germline.
Comment: This sequence change replaces glycine, which is neutral and non-polar, with arginine, which is basic and polar, at codon 962 of the DYSF protein (p.Gly962Arg). This variant is present in population databases (rs151064013, gnomAD 0.006%). This variant has not been reported in the literature in individuals affected with DYSF-related conditions. ClinVar contains an entry for this variant (Variation ID: 471291). Invitae Evidence Modeling of protein sequence and biophysical properties (such as structural, functional, and spatial information, amino acid conservation, physicochemical variation, residue mobility, and thermodynamic stability) indicates that this missense variant is not expected to disrupt DYSF protein function with a negative predictive value of 95%. In summary, the available evidence is currently insufficient to determine the role of this variant in disease. Therefore, it has been classified as a Variant of Uncertain Significance.

CeGaT Center for Human Genetics Tuebingen
Classification: Uncertain significance. Last evaluated: 2024-08-01. Review status: criteria provided, single submitter. Criteria: CeGaT Center For Human Genetics Tuebingen Variant Classification Criteria Version 2. Collection method: clinical testing. Allele origin: germline. Affected: yes. Observed: 1 variant allele.
Comment: DYSF: PM2, PP3

Eurofins Ntd Llc (ga)
Classification: Uncertain significance. Last evaluated: 2018-04-16. Review status: criteria provided, single submitter. Criteria: EGL ClinVar v180209 classification definitions. Collection method: clinical testing. Allele origin: germline. Observed: 1 variant allele, 1 heterozygote.

Natera, Inc.
Classification: Uncertain significance for Limb-girdle muscular dystrophy type 2B. Last evaluated: 2020-09-16. Review status: no assertion criteria provided. Collection method: clinical testing. Allele origin: germline. Not counted in ClinVar's aggregate classification.